The following is an entry in ClinVar:

NM_007294.4(BRCA1):c.302-3C>G

Gene: BRCA1 (BRCA1 DNA repair associated; minus strand). Cytogenetic location: 17q21.31.
Variant type: single nucleotide variant.
Coding change: c.302-3C>G on transcript NM_007294.4 (MANE Select); 3 bases into the intron before coding-DNA position 302, C replaced by G.
Molecular consequence: intron variant.
Genome position (GRCh38, 1-based): chr17:43,104,264, G>C on the plus strand (C>G on the coding strand, the complement: BRCA1 is on the minus strand). VCF-style: chr17-43104264-G-C. GRCh37 (hg19) VCF-style: chr17-41256281-G-C.
Other names: IVS6-3C>G; c.161-3C>G (NM_001408458.1, NM_001407931.1, NM_001407747.1 and 99 more transcripts); c.-218-9404C>G (NM_001407967.1, NM_001407966.1); c.-80-3C>G (NM_001407959.1, NM_001407962.1, NM_001408512.1 and 4 more transcripts); c.92-3C>G (NM_001407885.1, NM_001407886.1, NM_001407898.1 and 58 more transcripts); c.302-3C>G (NM_001407686.1, NM_001408397.1, NM_001407632.1 and 164 more transcripts); c.170-3C>G (NM_001408451.1); c.224-3C>G (NM_001408475.1, NM_001407875.1, NM_001407659.1 and 21 more transcripts); and 1 more.
Identifiers: ClinVar variation 37501 (VCV000037501.22), dbSNP rs80358051, ClinGen allele CA001987.

ClinVar aggregate classification (germline): Pathogenic/Likely pathogenic. Review status: criteria provided, multiple submitters, no conflicts (2 of 4 stars). 8 submissions from 8 submitters: Pathogenic (2); Likely pathogenic (1). 5 of the submissions do not count toward it. Last evaluated 2025-11-11.

Conditions:
Hereditary cancer-predisposing syndrome. Also called: Tumor predisposition; Neoplastic Syndromes, Hereditary; Hereditary Cancer Syndrome; Hereditary neoplastic syndrome. Identifiers: Orphanet 140162, MedGen C0027672, MeSH D009386, MONDO:0015356.
Hereditary breast ovarian cancer syndrome. Also called: Hereditary breast and ovarian cancer syndrome (HBOC); Hereditary breast and ovarian cancer syndrome; Hereditary breast and ovarian cancer; Hereditary breast and/or ovarian cancer syndrome; Breast and ovarian cancer; BRCA1- and BRCA2-Associated Hereditary Breast and Ovarian Cancer. Identifiers: Orphanet 145, MedGen C0677776, MeSH D061325, MONDO:0003582. Disease mechanism: loss of function.
Breast-ovarian cancer, familial, susceptibility to, 1 (BROVCA1). Also called: OVARIAN CANCER, SUSCEPTIBILITY TO; BRCA1 Hereditary Breast and Ovarian Cancer. Identifiers: Orphanet 145, MedGen C2676676, MONDO:0011450, OMIM 604370. Disease mechanism: loss of function.

Submissions (8):

Labcorp Genetics (formerly Invitae), Labcorp
Classification: Likely pathogenic for Hereditary breast ovarian cancer syndrome. Last evaluated: 2025-11-11. Review status: criteria provided, single submitter. Criteria: Invitae Variant Classification Sherloc (09022015). Collection method: clinical testing. Allele origin: germline.
Comment: This sequence change falls in intron 5 of the BRCA1 gene. It does not directly change the encoded amino acid sequence of the BRCA1 protein. It affects a nucleotide within the consensus splice site. This variant is not present in population databases (gnomAD no frequency). This variant has been observed in individual(s) with personal and/or family history of hereditary breast and/or ovarian cancer (PMID: 18489799, 20215541, 22333603). This variant is also known as IVS6-3C>G. ClinVar contains an entry for this variant (Variation ID: 37501). Based on a multifactorial likelihood algorithm using genetic, in silico, and/or statistical data, this variant has been determined to have a high probability of being pathogenic (PMID: 17924331, 21990134). Variants that disrupt the consensus splice site are a relatively common cause of aberrant splicing (PMID: 17576681, 9536098). Studies have shown that this variant is associated with altered splicing resulting in multiple RNA products (internal data). In summary, the currently available evidence indicates that the variant is pathogenic, but additional data are needed to prove that conclusively. Therefore, this variant has been classified as Likely Pathogenic.

Ambry Genetics
Classification: Pathogenic for Hereditary cancer-predisposing syndrome. Last evaluated: 2025-02-19. Review status: criteria provided, single submitter. Criteria: Ambry Variant Classification Scheme 2023. Collection method: clinical testing. Allele origin: germline.
Comment: The c.302-3C>G intronic pathogenic mutation (also known as IVS6-3C>G and 421-3C>G) results from a C to G substitution 3 nucleotides upstream from coding exon 5 in the BRCA1 gene. RNA studies have shown this alteration results in protein truncation (Ambry internal data; Sanz DJ et al, Clin. Cancer Res. 2010 Mar; 16(6):1957-67; Machackova E et al, BMC Cancer 2008; 8():140). This variant is considered to be rare based on population cohorts in the Genome Aggregation Database (gnomAD). In silico splice site analysis predicts that this alteration will weaken the native splice acceptor site and will result in the creation or strengthening of a novel splice acceptor site. Based on the supporting evidence, this alteration is interpreted as a disease-causing mutation.

Consortium of Investigators of Modifiers of BRCA1/2 (CIMBA), c/o University of Cambridge
Classification: Pathogenic for Breast-ovarian cancer, familial, susceptibility to, 1. Last evaluated: 2015-10-02. Review status: criteria provided, single submitter. Criteria: CIMBA Mutation Classification guidelines May 2016. Collection method: clinical testing. Allele origin: germline.

Sharing Clinical Reports Project (SCRP)
Classification: Likely pathogenic for Breast-ovarian cancer, familial 1. Last evaluated: 2008-11-20. Review status: no assertion criteria provided. Collection method: clinical testing. Allele origin: germline. Not counted in ClinVar's aggregate classification.

Breast Cancer Information Core (BIC) (BRCA1)
Classification: Pathogenic for Breast-ovarian cancer, familial 1. Last evaluated: 2004-02-20. Review status: no assertion criteria provided. Collection method: clinical testing. Allele origin: germline. Affected: yes. Observed: 3 variant alleles. Not counted in ClinVar's aggregate classification.

Clinical Genetics DNA and cytogenetics Diagnostics Lab, Erasmus MC, Erasmus Medical Center
Classification: Pathogenic. Review status: no assertion criteria provided. Collection method: clinical testing. Allele origin: germline. Affected: yes. Study: VKGL Data-share Consensus. Not counted in ClinVar's aggregate classification.

Diagnostic Laboratory, Department of Genetics, University Medical Center Groningen
Classification: Pathogenic for Breast-ovarian cancer, familial, susceptibility to, 1. Review status: no assertion criteria provided. Collection method: clinical testing. Allele origin: germline. Affected: yes. Study: VKGL Data-share Consensus. Not counted in ClinVar's aggregate classification.

Joint Genome Diagnostic Labs from Nijmegen and Maastricht, Radboudumc and MUMC+
Classification: Pathogenic. Review status: no assertion criteria provided. Collection method: clinical testing. Allele origin: germline. Affected: yes. Study: VKGL Data-share Consensus. Not counted in ClinVar's aggregate classification.

Literature cited by the submitters: PubMed 18489799 (cited by Labcorp Genetics (formerly Invitae), Labcorp and Ambry Genetics); PubMed 20215541 (cited by Labcorp Genetics (formerly Invitae), Labcorp and Ambry Genetics); PubMed 22333603 (cited by Labcorp Genetics (formerly Invitae), Labcorp); PubMed 17924331 (cited by Labcorp Genetics (formerly Invitae), Labcorp and Ambry Genetics); PubMed 21990134 (cited by Labcorp Genetics (formerly Invitae), Labcorp and Ambry Genetics); PubMed 17576681 (cited by Labcorp Genetics (formerly Invitae), Labcorp); PubMed 9536098 (cited by Labcorp Genetics (formerly Invitae), Labcorp).